The following is an entry in ClinVar:

NM_005419.4(STAT2):c.1081G>A (p.Val361Ile)

Gene: STAT2 (signal transducer and activator of transcription 2; minus strand). Cytogenetic location: 12q13.3.
Variant type: single nucleotide variant.
Coding change: c.1081G>A on transcript NM_005419.4 (MANE Select); coding-DNA position 1081, G replaced by A.
Protein change: p.Val361Ile; replaces valine 361 with isoleucine.
Molecular consequence: missense variant.
Genome position (GRCh38, 1-based): chr12:56,350,842, C>T on the plus strand (G>A on the coding strand, the complement: STAT2 is on the minus strand). VCF-style: chr12-56350842-C-T. GRCh37 (hg19) VCF-style: chr12-56744626-C-T.
Other names: c.1069G>A, p.Val357Ile (NM_001385110.1, NM_001385115.1, NM_198332.2); c.1081G>A, p.Val361Ile (NM_001385111.1, NM_001385113.1, NM_001385114.1); short protein forms V357I, V361I.
Identifiers: ClinVar variation 1447858 (VCV001447858.8), dbSNP rs2136062522, ClinGen allele CA385261853.

ClinVar aggregate classification (germline): Uncertain significance (1 of 4 stars; one submission).

Conditions:
Primary immunodeficiency with post-measles-mumps-rubella vaccine viral infection. Also called: Immunodeficiency 44. Identifiers: Orphanet 431166, MedGen C4225260, MONDO:0014715, OMIM 616636.

Submission:

Labcorp Genetics (formerly Invitae), Labcorp
Classification: Uncertain significance for Primary immunodeficiency with post-measles-mumps-rubella vaccine viral infection. Last evaluated: 2022-08-31. Review status: criteria provided, single submitter. Criteria: Invitae Variant Classification Sherloc (09022015). Collection method: clinical testing. Allele origin: germline.
Comment: This sequence change replaces valine, which is neutral and non-polar, with isoleucine, which is neutral and non-polar, at codon 361 of the STAT2 protein (p.Val361Ile). This variant is not present in population databases (gnomAD no frequency). This variant has not been reported in the literature in individuals affected with STAT2-related conditions. ClinVar contains an entry for this variant (Variation ID: 1447858). Advanced modeling of protein sequence and biophysical properties (such as structural, functional, and spatial information, amino acid conservation, physicochemical variation, residue mobility, and thermodynamic stability) performed at Invitae indicates that this missense variant is expected to disrupt STAT2 protein function. In summary, the available evidence is currently insufficient to determine the role of this variant in disease. Therefore, it has been classified as a Variant of Uncertain Significance.